The following is an entry in ClinVar:

ClinVar aggregate classification (germline): Pathogenic (1 of 4 stars; one submission).

Conditions:
Intellectual developmental disorder, autosomal dominant 50, with behavioral abnormalities. Also called: MENTAL RETARDATION, AUTOSOMAL DOMINANT 50; Intellectual disability, autosomal dominant 50. Identifiers: MedGen C4540470, MONDO:0030916, OMIM 617787.

Submission:

HudsonAlpha Institute for Biotechnology
Classification: Pathogenic for Intellectual developmental disorder, autosomal dominant 50, with behavioral abnormalities. Last evaluated: 2022-08-24. Review status: criteria provided, single submitter. Criteria: ACMG Guidelines, 2015. Collection method: research. Allele origin: de novo. Affected: yes. Observed: 1 variant allele. Study: HudsonAlpha-AGHI-WGS.
Comment: ACMG codes:PVS1_VeryStrong, PS2_Strong, PM2_Moderate,

NM_057175.5(NAA15):c.1418_1421dup (p.Ala475fs)

Gene: NAA15 (N-alpha-acetyltransferase 15, NatA auxiliary subunit; plus strand). Cytogenetic location: 4q31.1.
Variant type: Duplication.
Coding change: c.1418_1421dup on transcript NM_057175.5 (MANE Select); coding-DNA positions 1418 to 1421, 4 bases duplicated (CATC; older notation c.1418_1421dupCATC).
Protein change: p.Ala475fs; shifts the reading frame from alanine 475.
Molecular consequence: frameshift variant.
Genome position (GRCh38, 1-based): chr4:139,360,507-139,360,510, CATC duplicated. VCF-style (leftmost placement, unchanged base first): chr4-139360506-A-ACATC. GRCh37 (hg19) VCF-style: chr4-140281660-A-ACATC.
Other names: c.1418_1421dup, p.Ala475Ilefs (NM_001410842.1, NM_025085.2); short protein forms A475fs.
Identifiers: ClinVar variation 1803747 (VCV001803747.1), dbSNP rs2530418752, ClinGen allele CA2580071557.